The following is an entry in ClinVar:

NM_001128425.2(MUTYH):c.13G>A (p.Val5Ile)

Genes: MUTYH (mutY DNA glycosylase; minus strand), TOE1 (target of EGR1, exonuclease; plus strand). Cytogenetic location: 1p34.1.
Variant type: single nucleotide variant.
Coding change: c.13G>A on transcript NM_001128425.2 (MANE Plus Clinical); coding-DNA position 13, G replaced by A.
Protein change: p.Val5Ile; replaces valine 5 with isoleucine.
Molecular consequence: missense variant. On other transcripts: 5 prime UTR variant (8), non-coding transcript variant (3).
Genome position (GRCh38, 1-based): chr1:45,340,242, C>T on the plus strand (G>A on the coding strand, the complement: MUTYH is on the minus strand). VCF-style: chr1-45340242-C-T. GRCh37 (hg19) VCF-style: chr1-45805914-C-T.
Other names: c.-301G>A (NM_001350650.2); c.-237G>A (NM_001350651.2); c.13G>A, p.Val5Ile (NM_001407069.1, NM_001407073.1, NM_012222.3 and 1 more transcripts); c.-46G>A (NM_001407070.1, NM_001407071.1); c.-26G>A (NM_001407072.1); c.-11C>T (NM_025077.4); c.-30G>A (NM_001048171.2); c.-242G>A (NM_001293192.2); short protein forms V5I.
Identifiers: ClinVar variation 630514 (VCV000630514.7), dbSNP rs786201933, ClinGen allele CA340137894.
Genomic context (GRCh38, chr1:45,340,242, plus strand): 5'-GAACCGCGCCAGGAGACGGACCGCAAGTCCAGCGTACCCACAGACGACTCAGGCGGGAGA[C>T]GAGCGGTGTCATGGCCGCCGACAGTGACGATGGCGCAGTTTCAGCTCCCGCAGCTTCCGA-3'
Protein context (NP_001121897.1, residues 1-15): MTPL[Val5Ile]SRLSRLWAIM

ClinVar aggregate classification (germline): Uncertain significance. Review status: criteria provided, multiple submitters, no conflicts (2 of 4 stars). 2 submissions from 2 submitters: Uncertain significance (2). Last evaluated 2023-12-05.

Conditions:
Hereditary cancer-predisposing syndrome. Also called: Tumor predisposition; Hereditary neoplastic syndrome; Neoplastic Syndromes, Hereditary; Hereditary Cancer Syndrome. Identifiers: Orphanet 140162, MedGen C0027672, MeSH D009386, MONDO:0015356.
Familial adenomatous polyposis 2. Also called: COLORECTAL ADENOMATOUS POLYPOSIS, AUTOSOMAL RECESSIVE; ADENOMAS, MULTIPLE COLORECTAL, AUTOSOMAL RECESSIVE; FAP type 2; MUTYH Polyposis; Adenomas, multiple colorectal; MYH-associated polyposis. Identifiers: Orphanet 220460, Orphanet 247798, MedGen C3272841, MONDO:0012041, OMIM 608456.

Allele frequency attached by ClinVar (database versions not stated): gnomAD exomes below 0.00001.
gnomAD v4.1: 2 of 1,613,842 alleles (0.00012%); highest among the groups gnomAD compares: Non-Finnish European, 0.00017%; no homozygotes.

Submissions (2):

Color Diagnostics, LLC DBA Color Health
Classification: Uncertain significance for Hereditary cancer-predisposing syndrome. Last evaluated: 2023-12-05. Review status: criteria provided, single submitter. Criteria: ACMG Guidelines, 2015. Collection method: clinical testing. Allele origin: germline.
Comment: This missense variant replaces valine with isoleucine at codon 5 of the MUTYH protein. Computational prediction suggests that this variant may not impact protein structure and function (internally defined REVEL score threshold <= 0.5, PMID: 27666373). To our knowledge, functional studies have not been reported for this variant. This variant has not been reported in individuals affected with MUTYH-related disorders in the literature. This variant has been identified in 1/249238 chromosomes in the general population by the Genome Aggregation Database (gnomAD). The available evidence is insufficient to determine the role of this variant in disease conclusively. Therefore, this variant is classified as a Variant of Uncertain Significance.

Baylor Genetics
Classification: Uncertain significance for Familial adenomatous polyposis 2. Last evaluated: 2023-09-05. Review status: criteria provided, single submitter. Criteria: ACMG Guidelines, 2015. Collection method: clinical testing. Allele origin: unknown.